The following is an entry in ClinVar:

ClinVar aggregate classification (germline): Uncertain significance (1 of 4 stars; one submission).

Conditions:
FRAS1-related disorder. Also called: FRAS1-related condition.

gnomAD v4.1: 20 of 1,608,958 alleles (0.0012%); highest among the groups gnomAD compares: South Asian, 0.0089%; no homozygotes.

Submission:

PreventionGenetics, part of Exact Sciences
Classification: Uncertain significance for FRAS1-related condition. Last evaluated: 2026-01-08. Review status: criteria provided, single submitter. Criteria: ACMG Guidelines, 2015. Collection method: clinical testing. Allele origin: germline.
Comment: The FRAS1 c.1960+6G>A variant is predicted to interfere with splicing. Based on available splicing prediction programs (Alamut Visual v1.6.1; SpliceAI, Jaganathan et al. 2019. PubMed ID: 30661751), this variant is predicted to weaken the canonical splice donor site; however, the use of computer prediction programs is not equivalent to functional evidence. To our knowledge, this variant has not been reported in the literature. This variant is reported in 0.0067% of alleles in individuals of South Asian descent in gnomAD. At this time, the clinical significance of this variant is uncertain due to the absence of conclusive functional and genetic evidence.

NM_025074.7(FRAS1):c.1960+6G>A

Gene: FRAS1 (Fraser extracellular matrix complex subunit 1; plus strand). Cytogenetic location: 4q21.21.
Variant type: single nucleotide variant.
Coding change: c.1960+6G>A on transcript NM_025074.7 (MANE Select); 6 bases into the intron after coding-DNA position 1960, G replaced by A.
Molecular consequence: intron variant.
Genome position (GRCh38, 1-based): chr4:78,317,514, G>A. VCF-style: chr4-78317514-G-A. GRCh37 (hg19) VCF-style: chr4-79238668-G-A.
Other names: c.1960+6G>A (NM_001166133.2).
Identifiers: ClinVar variation 4987619 (VCV004987619.1).
Genomic context (GRCh38, chr4:78,317,514, plus strand): 5'-CACTGTCTGCCCCGCTGTGGAGAGGGTTTCTACTCTGACCATGGAGTCTGCAAAGGTATC[G>A]TTGGTGTCACCATCATTCTTGAGAGGCTATCCCACAAGAACATAGATTTACTTTTTTCCA-3'